The following is an entry in ClinVar:

NM_203408.4(FAM47A):c.2356G>A (p.Glu786Lys)

Gene: FAM47A (family with sequence similarity 47 member A; minus strand). Cytogenetic location: Xp21.1.
Variant type: single nucleotide variant.
Coding change: c.2356G>A on transcript NM_203408.4 (MANE Select); coding-DNA position 2356, G replaced by A.
Protein change: p.Glu786Lys; replaces glutamic acid 786 with lysine.
Molecular consequence: missense variant.
Genome position (GRCh38, 1-based): chrX:34,129,923, C>T on the plus strand (G>A on the coding strand, the complement: FAM47A is on the minus strand). VCF-style: chrX-34129923-C-T. GRCh37 (hg19) VCF-style: chrX-34148040-C-T.
Other names: c.2356G>A (NM_203408.3); short protein forms E786K.
Identifiers: ClinVar variation 3388985 (VCV003388985.15).
Genomic context (GRCh38, chrX:34,129,923, plus strand): 5'-GAGCAAGAAATACCCAATTGAGTAGTAAATTGAAAACTGCCTAATCTTCTTCCGATGCCT[C>T]TACGATTTCTTTGTACTTGTAAAATATCATTGCACGTTGAATAGGAGTCTTAACAGAGTC-3'
Protein context (NP_981953.2, residues 776-791): MIFYKYKEIV[Glu786Lys]ASEED

ClinVar aggregate classification (germline): Conflicting classifications of pathogenicity. Review status: criteria provided, conflicting classifications (1 of 4 stars). 2 submissions from 2 submitters: Uncertain significance (1); Likely benign (1). Last evaluated 2025-08-31.

gnomAD v4.1: 11 of 1,195,653 alleles (0.00092%); highest among the groups gnomAD compares: South Asian, 0.0018%; no homozygotes.

Submissions (2):

Ambry Genetics
Classification: Uncertain significance. Last evaluated: 2025-08-31. Review status: criteria provided, single submitter. Criteria: Ambry Variant Classification Scheme 2023. Collection method: clinical testing. Allele origin: germline.

CeGaT Center for Human Genetics Tuebingen
Classification: Likely benign. Last evaluated: 2024-09-01. Review status: criteria provided, single submitter. Criteria: CeGaT Center For Human Genetics Tuebingen Variant Classification Criteria Version 2. Collection method: clinical testing. Allele origin: germline. Affected: yes. Observed: 1 variant allele.
Comment: FAM47A: BP4, BS2